The following is an entry in ClinVar:

NM_007215.4(POLG2):c.305dup (p.Leu102fs)

Genes: MILR1 (mast cell immunoglobulin like receptor 1; plus strand), POLG2 (DNA polymerase gamma 2, accessory subunit; minus strand). Cytogenetic location: 17q23.3.
Variant type: Duplication.
Coding change: c.305dup on transcript NM_007215.4 (MANE Select); coding-DNA position 305, one base duplicated (T; older notation c.305dupT).
Protein change: p.Leu102fs; shifts the reading frame from leucine 102.
Molecular consequence: frameshift variant.
Genome position (GRCh38, 1-based): chr17:64,496,664, A duplicated on the plus strand (T on the coding strand, the reverse complement: POLG2 is on the minus strand); the first of 2 consecutive A bases (chr17:64,496,664-64,496,665); duplicating either gives the same sequence. VCF-style (leftmost placement, unchanged base first): chr17-64496663-C-CA. GRCh37 (hg19) VCF-style: chr17-62492781-C-CA.
Other names: short protein forms L102fs.
Identifiers: ClinVar variation 1391451 (VCV001391451.6), dbSNP rs1347420106, ClinGen allele CA774043587.

ClinVar aggregate classification (germline): Pathogenic (1 of 4 stars; one submission).

Submission:

Labcorp Genetics (formerly Invitae), Labcorp
Classification: Pathogenic. Last evaluated: 2021-09-21. Review status: criteria provided, single submitter. Criteria: Invitae Variant Classification Sherloc (09022015). Collection method: clinical testing. Allele origin: germline.
Comment: This sequence change creates a premature translational stop signal (p.Leu102Phefs*63) in the POLG2 gene. It is expected to result in an absent or disrupted protein product. Loss-of-function variants in POLG2 are known to be pathogenic (PMID: 28078310, 29625556). This variant is not present in population databases (ExAC no frequency). This variant has not been reported in the literature in individuals affected with POLG2-related conditions. For these reasons, this variant has been classified as Pathogenic.

Literature cited by the submitters: PubMed 28078310; PubMed 29625556.